The following is an entry in ClinVar:

NM_004370.6(COL12A1):c.5768G>C (p.Gly1923Ala)

Gene: COL12A1 (collagen type XII alpha 1 chain; minus strand). Cytogenetic location: 6q13.
Variant type: single nucleotide variant.
Coding change: c.5768G>C on transcript NM_004370.6 (MANE Select); coding-DNA position 5768, G replaced by C.
Protein change: p.Gly1923Ala; replaces glycine 1923 with alanine.
Molecular consequence: missense variant.
Genome position (GRCh38, 1-based): chr6:75,133,319, C>G on the plus strand (G>C on the coding strand, the complement: COL12A1 is on the minus strand). VCF-style: chr6-75133319-C-G. GRCh37 (hg19) VCF-style: chr6-75843035-C-G.
Other names: c.5768G>C, p.Gly1923Ala (NM_001424113.1); c.5747G>C, p.Gly1916Ala (NM_001424114.1); c.5495G>C, p.Gly1832Ala (NM_001424115.1); c.2276G>C, p.Gly759Ala (NM_001424116.1, NM_080645.3); short protein forms G759A, G1916A, G1923A, G1832A.
Identifiers: ClinVar variation 2954170 (VCV002954170.3), dbSNP rs761105355, ClinGen allele CA3893016.

ClinVar aggregate classification (germline): Uncertain significance (1 of 4 stars; one submission).

Conditions:
Ullrich congenital muscular dystrophy 2 (UCMD2). Identifiers: Orphanet 75840, MedGen C4225314, MONDO:0014654, OMIM 616470.
Bethlem myopathy 2 (BTHLM2). Identifiers: Orphanet 536516, Orphanet 610, MedGen C4225313, MONDO:0034022, OMIM 616471.

Allele frequency attached by ClinVar (database versions not stated): gnomAD exomes below 0.00001; ExAC 0.00001.
gnomAD v4.1: 1 of 1,601,774 alleles (0.000062%); highest among the groups gnomAD compares: South Asian, 0.0011%; no homozygotes.

Submission:

Labcorp Genetics (formerly Invitae), Labcorp
Classification: Uncertain significance for Bethlem myopathy 2; Ullrich congenital muscular dystrophy 2. Last evaluated: 2023-11-24. Review status: criteria provided, single submitter. Criteria: Invitae Variant Classification Sherloc (09022015). Collection method: clinical testing. Allele origin: germline.
Comment: This sequence change replaces glycine, which is neutral and non-polar, with alanine, which is neutral and non-polar, at codon 1923 of the COL12A1 protein (p.Gly1923Ala). This variant is present in population databases (rs761105355, gnomAD no frequency). This variant has not been reported in the literature in individuals affected with COL12A1-related conditions. Advanced modeling of protein sequence and biophysical properties (such as structural, functional, and spatial information, amino acid conservation, physicochemical variation, residue mobility, and thermodynamic stability) performed at Invitae indicates that this missense variant is not expected to disrupt COL12A1 protein function with a negative predictive value of 80%. In summary, the available evidence is currently insufficient to determine the role of this variant in disease. Therefore, it has been classified as a Variant of Uncertain Significance.